The following is an entry in ClinVar:

ClinVar aggregate classification (germline): Uncertain significance (1 of 4 stars; one submission).

Conditions:
Hereditary breast ovarian cancer syndrome. Also called: BRCA1- and BRCA2-Associated Hereditary Breast and Ovarian Cancer; Breast and ovarian cancer; Hereditary breast and/or ovarian cancer syndrome; Hereditary breast and ovarian cancer; Hereditary breast and ovarian cancer syndrome (HBOC); Hereditary breast and ovarian cancer syndrome. Identifiers: Orphanet 145, MedGen C0677776, MeSH D061325, MONDO:0003582. Disease mechanism: loss of function.

Submission:

Labcorp Genetics (formerly Invitae), Labcorp
Classification: Uncertain significance for Hereditary breast ovarian cancer syndrome. Last evaluated: 2023-07-30. Review status: criteria provided, single submitter. Criteria: Invitae Variant Classification Sherloc (09022015). Collection method: clinical testing. Allele origin: germline.
Comment: This variant is not present in population databases (gnomAD no frequency). This sequence change replaces leucine, which is neutral and non-polar, with valine, which is neutral and non-polar, at codon 3215 of the BRCA2 protein (p.Leu3215Val). This variant has not been reported in the literature in individuals affected with BRCA2-related conditions. In summary, the available evidence is currently insufficient to determine the role of this variant in disease. Therefore, it has been classified as a Variant of Uncertain Significance. Advanced modeling of protein sequence and biophysical properties (such as structural, functional, and spatial information, amino acid conservation, physicochemical variation, residue mobility, and thermodynamic stability) performed at Invitae indicates that this missense variant is not expected to disrupt BRCA2 protein function.

NM_000059.4(BRCA2):c.9643C>G (p.Leu3215Val)

Gene: BRCA2 (BRCA2 DNA repair associated; plus strand). Cytogenetic location: 13q13.1.
Variant type: single nucleotide variant.
Coding change: c.9643C>G on transcript NM_000059.4 (MANE Select); coding-DNA position 9643, C replaced by G.
Protein change: p.Leu3215Val; replaces leucine 3215 with valine.
Molecular consequence: missense variant. On other transcripts: non-coding transcript variant (1).
Genome position (GRCh38, 1-based): chr13:32,397,039, C>G. VCF-style: chr13-32397039-C-G. GRCh37 (hg19) VCF-style: chr13-32971176-C-G.
Other names: c.9547C>G, p.Leu3183Val (NM_001406719.1); c.9592C>G, p.Leu3198Val (NM_001406720.1); c.4711C>G, p.Leu1571Val (NM_001406721.1); c.3226C>G, p.Leu1076Val (NM_001406722.1); short protein forms L3183V, L3215V, L1076V, L3198V, L1571V.
Identifiers: ClinVar variation 2748508 (VCV002748508.3), dbSNP rs1555289812, ClinGen allele CA387763818.